The following is an entry in ClinVar:

ClinVar aggregate classification (germline): Likely benign. Review status: criteria provided, multiple submitters, no conflicts (2 of 4 stars). 2 submissions from 2 submitters: Likely benign (2). Last evaluated 2024-03-05.

Conditions:
Pseudohypoaldosteronism type 2B (PHA2B). Also called: Pseudohypoaldosteronism Type IIB. Identifiers: Orphanet 757, Orphanet 88939, MedGen C1840390, MONDO:0013777, OMIM 614491.

Allele frequency attached by ClinVar (database versions not stated): ExAC 0.00004; gnomAD exomes 0.00004 and 0.00009; gnomAD 0.00005.

Submissions (2):

Labcorp Genetics (formerly Invitae), Labcorp
Classification: Likely benign. Last evaluated: 2024-03-05. Review status: criteria provided, single submitter. Criteria: Invitae Variant Classification Sherloc (09022015). Collection method: clinical testing. Allele origin: germline.

Illumina Laboratory Services, Illumina
Classification: Likely benign for Pseudohypoaldosteronism type 2B. Last evaluated: 2018-01-12. Review status: criteria provided, single submitter. Criteria: ICSL Variant Classification Criteria 13 December 2019. Collection method: clinical testing. Allele origin: germline.
Comment: This variant was observed in the ICSL laboratory as part of a predisposition screen in an ostensibly healthy population. It had not been previously curated by ICSL or reported in the Human Gene Mutation Database (HGMD: prior to June 1st, 2018), and was therefore a candidate for classification through an automated scoring system. Utilizing variant allele frequency, disease prevalence and penetrance estimates, and inheritance mode, an automated score was calculated to assess if this variant is too frequent to cause the disease. Based on the score and internal cut-off values, a variant classified as likely benign is not then subjected to further curation. The score for this variant resulted in a classification of likely benign for this disease.

NM_032387.5(WNK4):c.2481C>T (p.Pro827=)

Gene: WNK4 (WNK lysine deficient protein kinase 4; plus strand). Cytogenetic location: 17q21.2.
Variant type: single nucleotide variant.
Coding change: c.2481C>T on transcript NM_032387.5 (MANE Select); coding-DNA position 2481, C replaced by T.
Protein change: p.Pro827=; no amino-acid change (proline 827 retained).
Molecular consequence: synonymous variant.
Genome position (GRCh38, 1-based): chr17:42,794,902, C>T. VCF-style: chr17-42794902-C-T. GRCh37 (hg19) VCF-style: chr17-40946920-C-T.
Other names: c.1473C>T, p.Pro491= (NM_001321299.2).
Identifiers: ClinVar variation 889389 (VCV000889389.7), dbSNP rs200744992, ClinGen allele CA8584389.
Genomic context (GRCh38, chr17:42,794,902, plus strand): 5'-TGGAACTCCTTTGTCTCCTGGAAACCCATTTTCCCCTGGAACCCCCATTTCCCCAGGTCC[C>T]ATCTTCCCCATCACTTCTCCCCCATGTCATCCCAGCCCCTCCCCATTCTCCCCCATTTCT-3'
Protein context (NP_115763.2, residues 817-837): FSPGTPISPG[Pro827=]IFPITSPPCH